The following is an entry in ClinVar:

ClinVar aggregate classification (germline): Uncertain significance. Review status: criteria provided, multiple submitters, no conflicts (2 of 4 stars). 4 submissions from 4 submitters: Uncertain significance (4). Last evaluated 2025-06-12.

Conditions:
Inborn genetic diseases. Identifiers: MedGen C0950123, MeSH D030342.
Developmental and epileptic encephalopathy, 23 (DEE23). Also called: Epileptic encephalopathy, early infantile, 23. Identifiers: Orphanet 411986, MedGen C4014492, MONDO:0014371, OMIM 615859.

Allele frequency attached by ClinVar (database versions not stated): ExAC 0.00001; gnomAD exomes 0.00001 and below 0.00001; gnomAD 0.00001; TOPMed 0.00002.
gnomAD v4.1: 6 of 1,613,478 alleles (0.00037%); highest among the groups gnomAD compares: Admixed American, 0.0067%; no homozygotes.

Submissions (4):

Mayo Clinic Laboratories, Mayo Clinic
Classification: Uncertain significance. Last evaluated: 2025-06-12. Review status: criteria provided, single submitter. Criteria: ACMG Guidelines, 2015. Collection method: clinical testing. Allele origin: germline. Observed: 1 variant allele.
Comment: BP4, PM2_supporting

Labcorp Genetics (formerly Invitae), Labcorp
Classification: Uncertain significance for Developmental and epileptic encephalopathy, 23. Last evaluated: 2023-12-11. Review status: criteria provided, single submitter. Criteria: Invitae Variant Classification Sherloc (09022015). Collection method: clinical testing. Allele origin: germline.
Comment: This sequence change replaces serine, which is neutral and polar, with asparagine, which is neutral and polar, at codon 190 of the DOCK7 protein (p.Ser190Asn). This variant is present in population databases (rs747518912, gnomAD 0.006%). This variant has not been reported in the literature in individuals affected with DOCK7-related conditions. ClinVar contains an entry for this variant (Variation ID: 954864). Advanced modeling of protein sequence and biophysical properties (such as structural, functional, and spatial information, amino acid conservation, physicochemical variation, residue mobility, and thermodynamic stability) performed at Invitae indicates that this missense variant is not expected to disrupt DOCK7 protein function with a negative predictive value of 80%. In summary, the available evidence is currently insufficient to determine the role of this variant in disease. Therefore, it has been classified as a Variant of Uncertain Significance.

Ambry Genetics
Classification: Uncertain significance for Inborn genetic diseases. Last evaluated: 2023-08-02. Review status: criteria provided, single submitter. Criteria: Ambry Variant Classification Scheme 2023. Collection method: clinical testing. Allele origin: germline.

Genome-Nilou Lab
Classification: Uncertain significance for Developmental and epileptic encephalopathy, 23. Last evaluated: 2023-04-11. Review status: criteria provided, single submitter. Criteria: ACMG Guidelines, 2015. Collection method: clinical testing. Allele origin: germline. Affected: no.

NM_001367561.1(DOCK7):c.569G>A (p.Ser190Asn)

Gene: DOCK7 (dedicator of cytokinesis 7; minus strand). Cytogenetic location: 1p31.3.
Variant type: single nucleotide variant.
Coding change: c.569G>A on transcript NM_001367561.1 (MANE Select); coding-DNA position 569, G replaced by A.
Protein change: p.Ser190Asn; replaces serine 190 with asparagine.
Molecular consequence: missense variant.
Genome position (GRCh38, 1-based): chr1:62,648,269, C>T on the plus strand (G>A on the coding strand, the complement: DOCK7 is on the minus strand). VCF-style: chr1-62648269-C-T. GRCh37 (hg19) VCF-style: chr1-63113940-C-T.
Other names: p.Ser190Asn; c.569G>A, p.Ser190Asn (NM_001271999.2, NM_001272000.2, NM_001272001.2 and 3 more transcripts); c.569G>A (NM_033407.2); short protein forms S190N.
Identifiers: ClinVar variation 954864 (VCV000954864.11), dbSNP rs747518912, ClinGen allele CA887157.